The following is an entry in ClinVar:

ClinVar aggregate classification (germline): Likely pathogenic (1 of 4 stars; one submission).

Conditions:
MACROH2A1-related neurodevelopmental disorder.

Submission:

Telethon Undiagnosed Diseases Program, Telethon Institute of Genetics and Medicine
Classification: Likely pathogenic for MACROH2A1-related neurodevelopmental disorder. Last evaluated: 2025-10-17. Review status: criteria provided, single submitter. Criteria: ACMG Guidelines, 2015. Collection method: clinical testing. Allele origin: de novo. Inheritance: Autosomal dominant inheritance. Affected: yes. Observed: 1 heterozygote.
Comment: The genomic variant c.80G>A in the MACROH2A1 gene results in the substitution of arginine with glutamine at the protein level, denoted as p.Arg27Gln. This missense variant affects the 27th amino acid of the MACROH2A1 protein, where the positively charged arginine (Arg) is replaced by a polar but uncharged glutamine (Gln). MACROH2A1 encodes a variant histone protein, macroH2A1, which is a component of the chromatin in eukaryotic cells. MacroH2A1 plays a role in the regulation of gene expression through its involvement in chromatin structure and dynamics.

NM_138610.3(MACROH2A1):c.80G>A (p.Arg27Gln)

Gene: MACROH2A1 (macroH2A.1 histone; minus strand). Cytogenetic location: 5q31.1.
Variant type: single nucleotide variant.
Coding change: c.80G>A on transcript NM_138610.3 (MANE Select); coding-DNA position 80, G replaced by A.
Protein change: p.Arg27Gln; replaces arginine 27 with glutamine.
Molecular consequence: missense variant. On other transcripts: non-coding transcript variant (15).
Genome position (GRCh38, 1-based): chr5:135,389,014, C>T on the plus strand (G>A on the coding strand, the complement: MACROH2A1 is on the minus strand). VCF-style: chr5-135389014-C-T. GRCh37 (hg19) VCF-style: chr5-134724704-C-T.
Other names: c.80G>A, p.Arg27Gln (NM_001040158.2, NM_001400401.1, NM_001400402.1 and 4 more transcripts); short protein forms R27Q.
Identifiers: ClinVar variation 4685468 (VCV004685468.1).